The following is an entry in ClinVar:

ClinVar aggregate classification (germline): Uncertain significance (1 of 4 stars; one submission).

Conditions:
Peroxisome biogenesis disorder 5A (Zellweger) (PBD5A). Identifiers: Orphanet 912, MedGen C3553940, MONDO:0013932, OMIM 614866.

Allele frequency attached by ClinVar (database versions not stated): gnomAD exomes below 0.00001.
gnomAD v4.1: 2 of 1,612,866 alleles (0.00012%); highest among the groups gnomAD compares: Non-Finnish European, 0.00017%; no homozygotes.

Submission:

Labcorp Genetics (formerly Invitae), Labcorp
Classification: Uncertain significance for Peroxisome biogenesis disorder 5A (Zellweger). Last evaluated: 2022-01-26. Review status: criteria provided, single submitter. Criteria: Invitae Variant Classification Sherloc (09022015). Collection method: clinical testing. Allele origin: germline.
Comment: This sequence change replaces phenylalanine, which is neutral and non-polar, with tyrosine, which is neutral and polar, at codon 41 of the PEX2 protein (p.Phe41Tyr). In summary, the available evidence is currently insufficient to determine the role of this variant in disease. Therefore, it has been classified as a Variant of Uncertain Significance. Algorithms developed to predict the effect of missense changes on protein structure and function are either unavailable or do not agree on the potential impact of this missense change (SIFT: "Tolerated"; PolyPhen-2: "Probably Damaging"; Align-GVGD: "Class C0"). This variant has not been reported in the literature in individuals affected with PEX2-related conditions. This variant is not present in population databases (gnomAD no frequency).

NM_000318.3(PEX2):c.122T>A (p.Phe41Tyr)

Gene: PEX2 (peroxisomal biogenesis factor 2; minus strand). Cytogenetic location: 8q21.13.
Variant type: single nucleotide variant.
Coding change: c.122T>A on transcript NM_000318.3 (MANE Select); coding-DNA position 122, T replaced by A.
Protein change: p.Phe41Tyr; replaces phenylalanine 41 with tyrosine.
Molecular consequence: missense variant.
Genome position (GRCh38, 1-based): chr8:76,984,057, A>T on the plus strand (T>A on the coding strand, the complement: PEX2 is on the minus strand). VCF-style: chr8-76984057-A-T. GRCh37 (hg19) VCF-style: chr8-77896293-A-T.
Other names: c.122T>A, p.Phe41Tyr (NM_001079867.2, NM_001172086.2, NM_001172087.2); short protein forms F41Y.
Identifiers: ClinVar variation 2089522 (VCV002089522.4), dbSNP rs2487453548, ClinGen allele CA371558046.